The following is an entry in ClinVar:

ClinVar aggregate classification (germline): Pathogenic. Review status: criteria provided, multiple submitters, no conflicts (2 of 4 stars). 2 submissions from 2 submitters: Pathogenic (2). Last evaluated 2026-09-09.

Allele frequency attached by ClinVar (database versions not stated): gnomAD exomes 0.00001; TOPMed 0.00002; gnomAD 0.00003.
gnomAD v4.1: 11 of 1,579,444 alleles (0.0007%); highest among the groups gnomAD compares: Non-Finnish European, 0.00095%; no homozygotes.

Submissions (2):

GeneDx
Classification: Pathogenic. Last evaluated: 2026-09-09. Review status: criteria provided, single submitter. Criteria: GeneDx Variant Classification Process June 2021. Collection method: clinical testing. Allele origin: germline.
Comment: Has not been previously published as pathogenic or benign to our knowledge; Not observed at significant frequency in large population cohorts (gnomAD); Canonical splice site variant predicted to result in a null allele in a gene for which loss of function is a known mechanism of disease

Labcorp Genetics (formerly Invitae), Labcorp
Classification: Pathogenic. Last evaluated: 2024-08-28. Review status: criteria provided, single submitter. Criteria: Invitae Variant Classification Sherloc (09022015). Collection method: clinical testing. Allele origin: germline.
Comment: This sequence change affects an acceptor splice site in intron 3 of the HPS5 gene. It is expected to disrupt RNA splicing. Variants that disrupt the donor or acceptor splice site typically lead to a loss of protein function (PMID: 16199547), and loss-of-function variants in HPS5 are known to be pathogenic (PMID: 12548288, 15296495, 21833017, 26785811). This variant is present in population databases (no rsID available, gnomAD 0.007%). Disruption of this splice site has been observed in individual(s) with clinical features of Hermansky-Pudlak syndrome (internal data). ClinVar contains an entry for this variant (Variation ID: 1191090). Algorithms developed to predict the effect of sequence changes on RNA splicing suggest that this variant may disrupt the consensus splice site. For these reasons, this variant has been classified as Pathogenic.

Literature cited by the submitters: PubMed 16199547 (cited by Labcorp Genetics (formerly Invitae), Labcorp); PubMed 12548288 (cited by Labcorp Genetics (formerly Invitae), Labcorp); PubMed 15296495 (cited by Labcorp Genetics (formerly Invitae), Labcorp); PubMed 21833017 (cited by Labcorp Genetics (formerly Invitae), Labcorp); PubMed 26785811 (cited by Labcorp Genetics (formerly Invitae), Labcorp).

NM_181507.2(HPS5):c.220-1G>T

Gene: HPS5 (HPS5 biogenesis of lysosomal organelles complex 2 subunit 2; minus strand). Cytogenetic location: 11p15.1.
Variant type: single nucleotide variant.
Coding change: c.220-1G>T on transcript NM_181507.2 (MANE Select); the canonical splice acceptor site of the intron before coding-DNA position 220, G replaced by T.
Molecular consequence: splice acceptor variant.
Genome position (GRCh38, 1-based): chr11:18,311,452, C>A on the plus strand (G>T on the coding strand, the complement: HPS5 is on the minus strand). VCF-style: chr11-18311452-C-A. GRCh37 (hg19) VCF-style: chr11-18332999-C-A.
Other names: c.-123-1G>T (NM_001440929.1, NM_181508.2, NM_001440921.1 and 10 more transcripts); c.109-1G>T (NM_001440915.1, NM_001440914.1, NM_001440913.1); c.220-1G>T (NM_001440931.1, NM_001440917.1, NM_001440906.1 and 6 more transcripts); c.145-1G>T (NM_001440907.1, NM_001440909.1, NM_001440908.1); c.34-1G>T (NM_001440918.1).
Identifiers: ClinVar variation 1191090 (VCV001191090.9), dbSNP rs1331019600, ClinGen allele CA379507300.